The following is an entry in ClinVar:

ClinVar aggregate classification (germline): Uncertain significance (1 of 4 stars; one submission).

Conditions:
Epileptic encephalopathy. Identifiers: MedGen C0543888, HP:0200134.

Submission:

Labcorp Genetics (formerly Invitae), Labcorp
Classification: Uncertain significance for Epileptic encephalopathy. Last evaluated: 2023-10-24. Review status: criteria provided, single submitter. Criteria: Invitae Variant Classification Sherloc (09022015). Collection method: clinical testing. Allele origin: germline.
Comment: This variant, c.98_100dup, results in the insertion of 1 amino acid(s) of the GABBR2 protein (p.Leu33dup), but otherwise preserves the integrity of the reading frame. This variant is not present in population databases (gnomAD no frequency). This variant has not been reported in the literature in individuals affected with GABBR2-related conditions. In summary, the available evidence is currently insufficient to determine the role of this variant in disease. Therefore, it has been classified as a Variant of Uncertain Significance.

NM_005458.8(GABBR2):c.92TGC[4] (p.Leu33_Pro34insLeu)

Gene: GABBR2 (gamma-aminobutyric acid type B receptor subunit 2; minus strand). Cytogenetic location: 9q22.33.
Variant type: Microsatellite.
Coding change: c.92TGC[4] on transcript NM_005458.8 (MANE Select); four copies in a row of the 3-base unit TGC starting at c.92; the reference has three copies in a row; one copy, 3 bases duplicated.
Protein change: p.Leu33_Pro34insLeu.
Molecular consequence: inframe insertion.
Genome position (GRCh38, 1-based): chr9:98,708,638-98,708,640, GCA duplicated on the plus strand (TGC on the coding strand, the reverse complement: GABBR2 is on the minus strand); duplicating any 3 consecutive bases within chr9:98,708,638-98,708,648 gives the same sequence; the position shown is the placement nearest the transcript's 3' end. VCF-style (leftmost placement, unchanged base first): chr9-98708637-G-GGCA. GRCh37 (hg19) VCF-style: chr9-101470919-G-GGCA.
Identifiers: ClinVar variation 2858689 (VCV002858689.3), dbSNP rs2490288612, ClinGen allele CA2579487746.